The following is an entry in ClinVar:

NM_001377.3(DYNC2H1):c.5750G>A (p.Arg1917Gln)

Gene: DYNC2H1 (dynein cytoplasmic 2 heavy chain 1; plus strand). Cytogenetic location: 11q22.3.
Variant type: single nucleotide variant.
Coding change: c.5750G>A on transcript NM_001377.3 (MANE Select); coding-DNA position 5750, G replaced by A.
Protein change: p.Arg1917Gln; replaces arginine 1917 with glutamine.
Molecular consequence: missense variant.
Genome position (GRCh38, 1-based): chr11:103,176,310, G>A. VCF-style: chr11-103176310-G-A. GRCh37 (hg19) VCF-style: chr11-103047039-G-A.
Other names: c.5750G>A, p.Arg1917Gln (NM_001080463.2); short protein forms R1917Q.
Identifiers: ClinVar variation 2048501 (VCV002048501.1), dbSNP rs766435315, ClinGen allele CA6253830.

ClinVar aggregate classification (germline): Uncertain significance (1 of 4 stars; one submission).

Conditions:
Jeune thoracic dystrophy. Also called: Jeune syndrome; Infantile thoracic dystrophy; Thoracic pelvic phalangeal dystrophy; Jeune's syndrome; Chondroectodermal dysplasia-like syndrome; Short-rib thoracic dysplasia. Identifiers: Orphanet 474, MedGen C0265275, MONDO:0018770.

Allele frequency attached by ClinVar (database versions not stated): TOPMed 0.00003; gnomAD 0.00006; gnomAD exomes 0.00008; ExAC 0.00026; 1000 Genomes Project 30x 0.00031.
gnomAD v4.1: 111 of 1,557,092 alleles (0.0071%); highest among the groups gnomAD compares: South Asian, 0.032%; 1 homozygote.

Submission:

Labcorp Genetics (formerly Invitae), Labcorp
Classification: Uncertain significance for Jeune thoracic dystrophy. Last evaluated: 2022-04-29. Review status: criteria provided, single submitter. Criteria: Invitae Variant Classification Sherloc (09022015). Collection method: clinical testing. Allele origin: germline.
Comment: This sequence change replaces arginine, which is basic and polar, with glutamine, which is neutral and polar, at codon 1917 of the DYNC2H1 protein (p.Arg1917Gln). This variant is present in population databases (rs766435315, gnomAD 0.06%). This variant has not been reported in the literature in individuals affected with DYNC2H1-related conditions. Algorithms developed to predict the effect of missense changes on protein structure and function (SIFT, PolyPhen-2, Align-GVGD) all suggest that this variant is likely to be disruptive. Algorithms developed to predict the effect of sequence changes on RNA splicing suggest that this variant may create or strengthen a splice site. In summary, the available evidence is currently insufficient to determine the role of this variant in disease. Therefore, it has been classified as a Variant of Uncertain Significance.